The following is an entry in ClinVar:

ClinVar aggregate classification (germline): Uncertain significance (1 of 4 stars; one submission).

Conditions:
Cardiovascular phenotype. Identifiers: MedGen CN230736.

gnomAD v4.1: 11 of 1,609,076 alleles (0.00068%); highest among the groups gnomAD compares: Non-Finnish European, 0.00093%; no homozygotes.

Submission:

Ambry Genetics
Classification: Uncertain significance for Cardiovascular phenotype. Last evaluated: 2025-04-10. Review status: criteria provided, single submitter. Criteria: Ambry Variant Classification Scheme 2023. Collection method: clinical testing. Allele origin: germline.
Comment: The p.W86R variant (also known as c.256T>A), located in coding exon 1 of the JPH2 gene, results from a T to A substitution at nucleotide position 256. The tryptophan at codon 86 is replaced by arginine, an amino acid with dissimilar properties. This amino acid position is conserved. In addition, this alteration is predicted to be deleterious by in silico analysis. Based on the available evidence, the clinical significance of this variant remains unclear.

NM_020433.5(JPH2):c.256T>A (p.Trp86Arg)

Gene: JPH2 (junctophilin 2; minus strand). Cytogenetic location: 20q13.12.
Variant type: single nucleotide variant.
Coding change: c.256T>A on transcript NM_020433.5 (MANE Select); coding-DNA position 256, T replaced by A.
Protein change: p.Trp86Arg; replaces tryptophan 86 with arginine.
Molecular consequence: missense variant.
Genome position (GRCh38, 1-based): chr20:44,186,450, A>T on the plus strand (T>A on the coding strand, the complement: JPH2 is on the minus strand). VCF-style: chr20-44186450-A-T. GRCh37 (hg19) VCF-style: chr20-42815090-A-T.
Other names: c.256T>A, p.Trp86Arg (NM_175913.4); short protein forms W86R.
Identifiers: ClinVar variation 4040897 (VCV004040897.1).